The following is an entry in ClinVar:

NM_001142800.2(EYS):c.4093A>G (p.Lys1365Glu)

Gene: EYS (EGF-like photoreceptor maintenance factor; minus strand). Cytogenetic location: 6q12.
Variant type: single nucleotide variant.
Coding change: c.4093A>G on transcript NM_001142800.2 (MANE Select); coding-DNA position 4093, A replaced by G.
Protein change: p.Lys1365Glu; replaces lysine 1365 with glutamic acid.
Molecular consequence: missense variant.
Genome position (GRCh38, 1-based): chr6:64,591,774, T>C on the plus strand (A>G on the coding strand, the complement: EYS is on the minus strand). VCF-style: chr6-64591774-T-C. GRCh37 (hg19) VCF-style: chr6-65301667-T-C.
Other names: p.K1365E:AAA>GAA; c.4093A>G (FM209056.1); c.4093A>G, p.Lys1365Glu (NM_001292009.2); short protein forms K1365E.
Identifiers: ClinVar variation 137247 (VCV000137247.29), dbSNP rs16895519, ClinGen allele CA290785.

ClinVar aggregate classification (germline): Benign/Likely benign. Review status: criteria provided, multiple submitters, no conflicts (2 of 4 stars). 8 submissions from 8 submitters: Benign (3); Likely benign (2). 3 of the submissions do not count toward it. Last evaluated 2026-01-31.

Conditions:
Retinitis pigmentosa (RP). Identifiers: Orphanet 791, MedGen C0035334, MeSH D012174, MONDO:0019200, OMIM 268000. Inheritance: Autosomal dominant, autosomal recessive and X linked inheritance.
Retinitis pigmentosa 25 (RP25). Identifiers: Orphanet 791, MedGen C1864446, MONDO:0011272, OMIM 602772.

Allele frequency attached by ClinVar (database versions not stated): gnomAD exomes 0.00214; ExAC 0.00319; ESP Exome Variant Server 0.00767; gnomAD 0.00851 and 0.00905; 1000 Genomes Project 0.00899; 1000 Genomes Project 30x 0.00937; TOPMed 0.00971.
gnomAD v4.1: 2,892 of 1,551,312 alleles (0.19%); highest among the groups gnomAD compares: African/African-American, 2.9%; 42 homozygotes.

Submissions (8):

Labcorp Genetics (formerly Invitae), Labcorp
Classification: Benign. Last evaluated: 2026-01-31. Review status: criteria provided, single submitter. Criteria: Invitae Variant Classification Sherloc (09022015). Collection method: clinical testing. Allele origin: germline.

ARUP Laboratories, Molecular Genetics and Genomics, ARUP Laboratories
Classification: Benign for Retinitis pigmentosa 25. Last evaluated: 2019-09-23. Review status: criteria provided, single submitter. Criteria: ARUP Molecular Germline Variant Investigation Process. Collection method: clinical testing. Allele origin: germline.

Illumina Laboratory Services, Illumina
Classification: Likely benign for Retinitis pigmentosa. Last evaluated: 2018-01-13. Review status: criteria provided, single submitter. Criteria: ICSL Variant Classification Criteria 13 December 2019. Collection method: clinical testing. Allele origin: germline.
Comment: This variant was observed in the ICSL laboratory as part of a predisposition screen in an ostensibly healthy population. It had not been previously curated by ICSL or reported in the Human Gene Mutation Database (HGMD: prior to June 1st, 2018), and was therefore a candidate for classification through an automated scoring system. Utilizing variant allele frequency, disease prevalence and penetrance estimates, and inheritance mode, an automated score was calculated to assess if this variant is too frequent to cause the disease. Based on the score and internal cut-off values, a variant classified as likely benign is not then subjected to further curation. The score for this variant resulted in a classification of likely benign for this disease.

GeneDx
Classification: Benign. Last evaluated: 2011-08-12. Review status: criteria provided, single submitter. Criteria: GeneDx Variant Classification (06012015). Collection method: clinical testing. Allele origin: germline. Affected: yes.
Comment: This variant is considered likely benign or benign based on one or more of the following criteria: it is a conservative change, it occurs at a poorly conserved position in the protein, it is predicted to be benign by multiple in silico algorithms, and/or has population frequency not consistent with disease.

Breakthrough Genomics
Classification: Likely benign. Review status: criteria provided, single submitter. Criteria: ACMG Guidelines, 2015. Collection method: not provided. Allele origin: germline. Inheritance: Autosomal recessive inheritance. Affected: yes.

Natera, Inc.
Classification: Likely benign for Retinitis pigmentosa type 25. Last evaluated: 2019-10-21. Review status: no assertion criteria provided. Collection method: clinical testing. Allele origin: germline. Not counted in ClinVar's aggregate classification.

Clinical Genetics DNA and cytogenetics Diagnostics Lab, Erasmus MC, Erasmus Medical Center
Classification: Benign. Review status: no assertion criteria provided. Collection method: clinical testing. Allele origin: germline. Affected: yes. Study: VKGL Data-share Consensus. Not counted in ClinVar's aggregate classification.

Clinical Genetics, Academic Medical Center
Classification: Benign. Review status: no assertion criteria provided. Collection method: clinical testing. Allele origin: germline. Affected: yes. Study: VKGL Data-share Consensus. Not counted in ClinVar's aggregate classification.